The following is an entry in ClinVar:

NM_032119.4(ADGRV1):c.10955G>T (p.Gly3652Val)

Gene: ADGRV1 (adhesion G protein-coupled receptor V1; plus strand). Cytogenetic location: 5q14.3.
Variant type: single nucleotide variant.
Coding change: c.10955G>T on transcript NM_032119.4 (MANE Select); coding-DNA position 10955, G replaced by T.
Protein change: p.Gly3652Val; replaces glycine 3652 with valine.
Molecular consequence: missense variant. On other transcripts: non-coding transcript variant (1).
Genome position (GRCh38, 1-based): chr5:90,745,776, G>T. VCF-style: chr5-90745776-G-T. GRCh37 (hg19) VCF-style: chr5-90041593-G-T.
Other names: short protein forms G3652V.
Identifiers: ClinVar variation 1473903 (VCV001473903.6), dbSNP rs2149917770, ClinGen allele CA360409679.

ClinVar aggregate classification (germline): Uncertain significance (1 of 4 stars; one submission).

Submission:

Labcorp Genetics (formerly Invitae), Labcorp
Classification: Uncertain significance. Last evaluated: 2023-08-10. Review status: criteria provided, single submitter. Criteria: Invitae Variant Classification Sherloc (09022015). Collection method: clinical testing. Allele origin: germline.
Comment: Advanced modeling of protein sequence and biophysical properties (such as structural, functional, and spatial information, amino acid conservation, physicochemical variation, residue mobility, and thermodynamic stability) has been performed at Invitae for this missense variant, however the output from this modeling did not meet the statistical confidence thresholds required to predict the impact of this variant on ADGRV1 protein function. ClinVar contains an entry for this variant (Variation ID: 1473903). This variant has not been reported in the literature in individuals affected with ADGRV1-related conditions. This variant is not present in population databases (gnomAD no frequency). This sequence change replaces glycine, which is neutral and non-polar, with valine, which is neutral and non-polar, at codon 3652 of the ADGRV1 protein (p.Gly3652Val). In summary, the available evidence is currently insufficient to determine the role of this variant in disease. Therefore, it has been classified as a Variant of Uncertain Significance.